The following is an entry in ClinVar:

ClinVar aggregate classification (germline): Benign/Likely benign. Review status: criteria provided, multiple submitters, no conflicts (2 of 4 stars). 3 submissions from 3 submitters: Benign (1); Likely benign (2). Last evaluated 2026-01-18.

Allele frequency attached by ClinVar (database versions not stated): ExAC 0.00057; gnomAD exomes 0.00074; ESP Exome Variant Server 0.00096.

Submissions (3):

Labcorp Genetics (formerly Invitae), Labcorp
Classification: Likely benign. Last evaluated: 2026-01-18. Review status: criteria provided, single submitter. Criteria: Invitae Variant Classification Sherloc (09022015). Collection method: clinical testing. Allele origin: germline.

Blueprint Genetics
Classification: Likely benign. Last evaluated: 2024-11-05. Review status: criteria provided, single submitter. Criteria: ACMG Guidelines, 2015. Collection method: clinical testing. Allele origin: germline.

CeGaT Center for Human Genetics Tuebingen
Classification: Benign. Last evaluated: 2024-02-01. Review status: criteria provided, single submitter. Criteria: CeGaT Center For Human Genetics Tuebingen Variant Classification Criteria Version 2. Collection method: clinical testing. Allele origin: germline. Affected: yes. Observed: 2 variant alleles.
Comment: ICOSLG: BS1, BS2

NM_015259.6(ICOSLG):c.898+12del

Gene: ICOSLG (inducible T cell costimulator ligand; minus strand). Cytogenetic location: 21q22.3.
Variant type: Deletion.
Coding change: c.898+12del on transcript NM_015259.6 (MANE Select); 12 bases into the intron after coding-DNA position 898, one base deleted (G; older notation c.898+12delG).
Molecular consequence: intron variant.
Genome position (GRCh38, 1-based): chr21:44,230,042, C deleted on the plus strand (G on the coding strand, the reverse complement: ICOSLG is on the minus strand). VCF-style (leftmost placement, unchanged base first): chr21-44230041-AC-A. GRCh37 (hg19) VCF-style: chr21-45649924-AC-A.
Other names: c.547+12del (NM_001283051.2); c.643+12del (NM_001283052.2); c.898+12del (NM_001283050.2); c.817+12del (NM_001365759.2).
Identifiers: ClinVar variation 1104881 (VCV001104881.33), dbSNP rs753701173, ClinGen allele CA321495313.